The following is an entry in ClinVar:

ClinVar aggregate classification (germline): Likely pathogenic (1 of 4 stars; one submission).

Conditions:
Long chain 3-hydroxyacyl-CoA dehydrogenase deficiency. Also called: Deficiency of long-chain 3-hydroxyacyl-coenzyme A dehydrogenase; LCHAD Deficiency. Identifiers: Orphanet 5, MedGen C3711645, MONDO:0012173, OMIM 609016.

Submission:

Natera, Inc.
Classification: Likely pathogenic for Deficiency of long-chain 3-hydroxyacyl-coenzyme A dehydrogenase. Last evaluated: 2024-10-24. Review status: criteria provided, single submitter. Criteria: Natera Variant Classification Schema (03/2026). Collection method: clinical testing. Allele origin: germline.
Comment: The c.434A>T variant in HMGCL is a missense variant predicted to cause substitution of glutamic acid to valine at amino acid 145. This variant is rare in the general population with a frequency below the threshold expected for the associated phenotype(s). This variant has been observed in one or more individuals affected with the associated recessive disease, as either homozygous or compound heterozygous with a second variant (PMID: 11129331). Functional studies show that this variant may disrupt protein function (PMID: 11129331). Computational prediction algorithms indicate this variant is likely to affect gene or protein function. Given the available evidence, this variant is classified as Likely Pathogenic.

Literature cited by the submitters: PubMed 11129331.

NM_000191.3(HMGCL):c.434A>T (p.Glu145Val)

Gene: HMGCL (3-hydroxy-3-methylglutaryl-CoA lyase; minus strand). Cytogenetic location: 1p36.11.
Variant type: single nucleotide variant.
Coding change: c.434A>T on transcript NM_000191.3 (MANE Select); coding-DNA position 434, A replaced by T.
Protein change: p.Glu145Val; replaces glutamic acid 145 with valine.
Molecular consequence: missense variant. On other transcripts: intron variant (1).
Genome position (GRCh38, 1-based): chr1:23,814,253, T>A on the plus strand (A>T on the coding strand, the complement: HMGCL is on the minus strand). VCF-style: chr1-23814253-T-A. GRCh37 (hg19) VCF-style: chr1-24140743-T-A.
Other names: c.348+2422A>T (NM_001166059.2); short protein forms E145V.
Identifiers: ClinVar variation 4817880 (VCV004817880.1).